The following is an entry in ClinVar:

ClinVar aggregate classification (germline): Likely pathogenic. Review status: criteria provided, single submitter (1 of 4 stars). 2 submissions from 2 submitters: Likely pathogenic (1). 1 of the submissions does not count toward it. Last evaluated 2018-05-24.

Conditions:
Renal carnitine transport defect (CDSP). Also called: Systemic primary carnitine deficiency; Carnitine transporter deficiency; Primary carnitine deficiency; Carnitine Deficiency, Systemic; Systemic primary carnitine deficiency disease; CARNITINE DEFICIENCY, SYSTEMIC, DUE TO DEFECT IN RENAL REABSORPTION OF CARNITINE. Identifiers: Orphanet 158, MedGen C0342788, MONDO:0008919, OMIM 212140.

Submissions (2):

Women's Health and Genetics/Laboratory Corporation of America, LabCorp
Classification: Likely pathogenic for Renal carnitine transport defect. Last evaluated: 2018-05-24. Review status: criteria provided, single submitter. Criteria: LabCorp Variant Classification Summary - May 2015. Collection method: clinical testing. Allele origin: germline.
Comment: Variant summary: SLC22A5 c.-91_22del113 deletes the initiation codon and is predicted to result either in absence of the protein or truncation of the encoded protein due to translation initiation at a downstream codon. The frequency of this variant in the general population could not be determined as the technology used for large population databases (ExAC, gnomAD, ESP, 1000G) cannot detect variants of this type. The variant, c.-91_22del113, has been reported in the literature in two homozygous siblings affected with Systemic Primary Carnitine Deficiency, indicating that the variant may be associated with disease (Nezu_1999). To our knowledge, no experimental evidence demonstrating an impact on protein function has been reported. No clinical diagnostic laboratories have submitted clinical-significance assessments for this variant to ClinVar after 2014, though a submission prior to 2014 was reported as pathogenic. Based on the evidence outlined above, the variant was classified as likely pathogenic.

OMIM
Classification: Pathogenic for CARNITINE DEFICIENCY, SYSTEMIC PRIMARY. Last evaluated: 1999-01-01. Review status: no assertion criteria provided. Collection method: literature only. Allele origin: germline. Not counted in ClinVar's aggregate classification.

Literature cited by the submitters: PubMed 9916797 (cited by Women's Health and Genetics/Laboratory Corporation of America, LabCorp and OMIM); PubMed 26828774 (cited by Women's Health and Genetics/Laboratory Corporation of America, LabCorp); PubMed 28841266 (cited by Women's Health and Genetics/Laboratory Corporation of America, LabCorp); PubMed 3974805 (cited by OMIM).

NM_003060.4(SLC22A5):c.-91_22del (p.Met1fs)

Genes: MIR3936HG (MIR3936 host gene; minus strand), SLC22A5 (solute carrier family 22 member 5; plus strand), LOC129994569 (ATAC-STARR-seq lymphoblastoid silent region 16317; plus strand). Cytogenetic location: 5q31.1.
Variant type: Deletion.
Coding change: c.-91_22del on transcript NM_003060.4 (MANE Select); 91 bases upstream of the start codon through coding-DNA position 22, 113 bases deleted.
Protein change: p.Met1fs; shifts the reading frame from methionine 1.
Molecular consequence: frameshift variant, initiator codon variant.
Genome position (GRCh38, 1-based): chr5:132,369,882-132,369,994, 113 bases deleted. GRCh37 (hg19): chr5:131,705,574-131,705,686.
Other names: c.-91_22del, p.Met1fs (NM_001308122.2); short protein forms M1fs.
Identifiers: ClinVar variation 25341 (VCV000025341.6), dbSNP rs1554085861, ClinGen allele CA342599.